The following is an entry in ClinVar:

ClinVar aggregate classification (germline): Uncertain significance (1 of 4 stars; one submission).

Conditions:
Brugada syndrome 8 (BRGDA8). Identifiers: Orphanet 130, MedGen C2751083, MONDO:0013148, OMIM 613123.

Submission:

Labcorp Genetics (formerly Invitae), Labcorp
Classification: Uncertain significance for Brugada syndrome 8. Last evaluated: 2025-08-09. Review status: criteria provided, single submitter. Criteria: Invitae Variant Classification Sherloc (09022015). Collection method: clinical testing. Allele origin: germline.
Comment: This sequence change replaces leucine, which is neutral and non-polar, with arginine, which is basic and polar, at codon 782 of the HCN4 protein (p.Leu782Arg). This variant is not present in population databases (gnomAD no frequency). This variant has not been reported in the literature in individuals affected with HCN4-related conditions. ClinVar contains an entry for this variant (Variation ID: 572399). Invitae Evidence Modeling of protein sequence and biophysical properties (such as structural, functional, and spatial information, amino acid conservation, physicochemical variation, residue mobility, and thermodynamic stability) has been performed for this missense variant. However, the output from this modeling did not meet the statistical confidence thresholds required to predict the impact of this variant on HCN4 protein function. In summary, the available evidence is currently insufficient to determine the role of this variant in disease. Therefore, it has been classified as a Variant of Uncertain Significance.

NM_005477.3(HCN4):c.2345T>G (p.Leu782Arg)

Gene: HCN4 (hyperpolarization activated cyclic nucleotide gated potassium channel 4; minus strand). Cytogenetic location: 15q24.1.
Variant type: single nucleotide variant.
Coding change: c.2345T>G on transcript NM_005477.3 (MANE Select); coding-DNA position 2345, T replaced by G.
Protein change: p.Leu782Arg; replaces leucine 782 with arginine.
Molecular consequence: missense variant.
Genome position (GRCh38, 1-based): chr15:73,323,748, A>C on the plus strand (T>G on the coding strand, the complement: HCN4 is on the minus strand). VCF-style: chr15-73323748-A-C. GRCh37 (hg19) VCF-style: chr15-73616089-A-C.
Other names: short protein forms L782R.
Identifiers: ClinVar variation 572399 (VCV000572399.6), dbSNP rs1567769296, ClinGen allele CA393089072.
Genomic context (GRCh38, chr15:73,323,748, plus strand): 5'-GGCAGGCGAGGGTGGTGGGTGAGGGCTATGGCCACAGAAGTGGTGGCAGCGGCAGCCTGC[A>C]GTGGTGCCTGGATCAGCGGGGTCCAGATGACGGGCGTGGGGGTTGGGGTGGCAGAGGCAG-3'
Protein context (NP_005468.1, residues 772-792): VIWTPLIQAP[Leu782Arg]QAAAATTSVA